The following is an entry in ClinVar:

NM_003119.4(SPG7):c.2326G>T (p.Glu776Ter)

Gene: SPG7 (SPG7 matrix AAA peptidase subunit, paraplegin; plus strand). Cytogenetic location: 16q24.3.
Variant type: single nucleotide variant.
Coding change: c.2326G>T on transcript NM_003119.4 (MANE Select); coding-DNA position 2326, G replaced by T.
Protein change: p.Glu776Ter; replaces glutamic acid 776 with a stop codon.
Molecular consequence: nonsense. On other transcripts: 3 prime UTR variant (1).
Genome position (GRCh38, 1-based): chr16:89,557,031, G>T. VCF-style: chr16-89557031-G-T. GRCh37 (hg19) VCF-style: chr16-89623439-G-T.
Other names: c.*104G>T (NM_001363850.1); short protein forms E776*.
Identifiers: ClinVar variation 2700918 (VCV002700918.3), dbSNP rs1042217341, ClinGen allele CA397417992.

ClinVar aggregate classification (germline): Uncertain significance (1 of 4 stars; one submission).

Conditions:
Hereditary spastic paraplegia 7 (SPG7). Also called: Autosomal recessive spastic paraplegia type 7; SPASTIC PARAPLEGIA 7, AUTOSOMAL RECESSIVE, WITH OR WITHOUT CEREBELLAR ATAXIA; Spastic paraplegia 7; Hereditary spastic paraplegia Paraplegin type; SPG7-related neurologic disorder. Identifiers: Orphanet 99013, MedGen C1846564, MONDO:0011803, OMIM 607259.

Submission:

Labcorp Genetics (formerly Invitae), Labcorp
Classification: Uncertain significance for Hereditary spastic paraplegia 7. Last evaluated: 2024-10-29. Review status: criteria provided, single submitter. Criteria: Invitae Variant Classification Sherloc (09022015). Collection method: clinical testing. Allele origin: germline.
Comment: This sequence change creates a premature translational stop signal (p.Glu776*) in the SPG7 gene. While this is not anticipated to result in nonsense mediated decay, it is expected to disrupt the last 20 amino acid(s) of the SPG7 protein. This variant is not present in population databases (gnomAD no frequency). This variant has not been reported in the literature in individuals affected with SPG7-related conditions. Experimental studies and prediction algorithms are not available or were not evaluated, and the functional significance of this variant is currently unknown. In summary, the available evidence is currently insufficient to determine the role of this variant in disease. Therefore, it has been classified as a Variant of Uncertain Significance.